The following is an entry in ClinVar:

ClinVar aggregate classification (germline): Uncertain significance (1 of 4 stars; one submission).

gnomAD v4.1: 1 of 1,614,110 alleles (0.000062%); highest among the groups gnomAD compares: Non-Finnish European, 0.000085%; no homozygotes.

Submission:

Labcorp Genetics (formerly Invitae), Labcorp
Classification: Uncertain significance. Last evaluated: 2021-06-23. Review status: criteria provided, single submitter. Criteria: Invitae Variant Classification Sherloc (09022015). Collection method: clinical testing. Allele origin: germline.
Comment: This sequence change replaces glycine with alanine at codon 410 of the HTRA2 protein (p.Gly410Ala). The glycine residue is highly conserved and there is a small physicochemical difference between glycine and alanine. This variant is not present in population databases (ExAC no frequency). This variant has not been reported in the literature in individuals with HTRA2-related conditions. Algorithms developed to predict the effect of missense changes on protein structure and function (SIFT, PolyPhen-2, Align-GVGD) all suggest that this variant is likely to be tolerated, but these predictions have not been confirmed by published functional studies and their clinical significance is uncertain. In summary, the available evidence is currently insufficient to determine the role of this variant in disease. Therefore, it has been classified as a Variant of Uncertain Significance.

NM_013247.5(HTRA2):c.1229G>C (p.Gly410Ala)

Genes: LOXL3 (lysyl oxidase like 3; minus strand), HTRA2 (HtrA serine peptidase 2; plus strand). Cytogenetic location: 2p13.1.
Variant type: single nucleotide variant.
Coding change: c.1229G>C on transcript NM_013247.5 (MANE Select); coding-DNA position 1229, G replaced by C.
Protein change: p.Gly410Ala; replaces glycine 410 with alanine.
Molecular consequence: missense variant. On other transcripts: non-coding transcript variant (4), 3 prime UTR variant (3).
Genome position (GRCh38, 1-based): chr2:74,532,837, G>C. VCF-style: chr2-74532837-G-C. GRCh37 (hg19) VCF-style: chr2-74759964-G-C.
Other names: c.1163G>C, p.Gly388Ala (NM_001321727.1); c.1133G>C, p.Gly378Ala (NM_001321728.1); c.938G>C, p.Gly313Ala (NM_145074.2); c.*769C>G (NM_001289164.3, NM_001289165.2, NM_032603.5); short protein forms G313A, G388A, G410A, G378A.
Identifiers: ClinVar variation 1354929 (VCV001354929.8), dbSNP rs2104381534, ClinGen allele CA347382661.